The following is an entry in ClinVar:

ClinVar aggregate classification (germline): Uncertain significance (1 of 4 stars; one submission).

Conditions:
Tumor predisposition syndrome 3 (TPDS3). Also called: Glioma susceptibility 9; LONG TELOMERE SYNDROME, POT1-RELATED; POT1 Tumor Predisposition; Melanoma, cutaneous malignant, susceptibility to, 10. Identifiers: Orphanet 618, MedGen C4014476, MONDO:0014368, OMIM 615848.

Submission:

Labcorp Genetics (formerly Invitae), Labcorp
Classification: Uncertain significance for Tumor predisposition syndrome 3. Last evaluated: 2022-09-08. Review status: criteria provided, single submitter. Criteria: Invitae Variant Classification Sherloc (09022015). Collection method: clinical testing. Allele origin: germline.
Comment: This sequence change replaces aspartic acid, which is acidic and polar, with asparagine, which is neutral and polar, at codon 584 of the POT1 protein (p.Asp584Asn). In summary, the available evidence is currently insufficient to determine the role of this variant in disease. Therefore, it has been classified as a Variant of Uncertain Significance. Algorithms developed to predict the effect of missense changes on protein structure and function (SIFT, PolyPhen-2, Align-GVGD) all suggest that this variant is likely to be tolerated. ClinVar contains an entry for this variant (Variation ID: 1022237). This variant has not been reported in the literature in individuals affected with POT1-related conditions. This variant is not present in population databases (gnomAD no frequency).

NM_015450.3(POT1):c.1750G>A (p.Asp584Asn)

Gene: POT1 (protection of telomeres 1; minus strand). Cytogenetic location: 7q31.33.
Variant type: single nucleotide variant.
Coding change: c.1750G>A on transcript NM_015450.3 (MANE Select); coding-DNA position 1750, G replaced by A.
Protein change: p.Asp584Asn; replaces aspartic acid 584 with asparagine.
Molecular consequence: missense variant. On other transcripts: non-coding transcript variant (3).
Genome position (GRCh38, 1-based): chr7:124,825,294, C>T on the plus strand (G>A on the coding strand, the complement: POT1 is on the minus strand). VCF-style: chr7-124825294-C-T. GRCh37 (hg19) VCF-style: chr7-124465348-C-T.
Other names: c.1357G>A, p.Asp453Asn (NM_001042594.2); short protein forms D453N, D584N.
Identifiers: ClinVar variation 1022237 (VCV001022237.11), dbSNP rs1794602770, ClinGen allele CA369062281.
Genomic context (GRCh38, chr7:124,825,294, plus strand): 5'-TAAAATATTCTTGCCTACCAATTTTTATTCCTGGAGGACAAAACATATCCATGATCATAT[C>T]CACACTTTTCTGAAGGTCATCATCCATCAGAACTTCTGATGCTGGAATCTGGAAGAATTT-3'
Protein context (NP_056265.2, residues 574-594): LMDDDLQKSV[Asp584Asn]MIMDMFCPPG